The following is an entry in ClinVar:

NM_213599.3(ANO5):c.1760G>A (p.Gly587Glu)

Gene: ANO5 (anoctamin 5; plus strand). Cytogenetic location: 11p14.3.
Variant type: single nucleotide variant.
Coding change: c.1760G>A on transcript NM_213599.3 (MANE Select); coding-DNA position 1760, G replaced by A.
Protein change: p.Gly587Glu; replaces glycine 587 with glutamic acid.
Molecular consequence: missense variant.
Genome position (GRCh38, 1-based): chr11:22,262,258, G>A. VCF-style: chr11-22262258-G-A. GRCh37 (hg19) VCF-style: chr11-22283804-G-A.
Other names: c.1757G>A, p.Gly586Glu (NM_001142649.2); short protein forms G587E, G586E.
Identifiers: ClinVar variation 282843 (VCV000282843.16), dbSNP rs369600326, ClinGen allele CA5923338.

ClinVar aggregate classification (germline): Uncertain significance. Review status: criteria provided, multiple submitters, no conflicts (2 of 4 stars). 4 submissions from 4 submitters: Uncertain significance (4). Last evaluated 2025-11-10.

Conditions:
Gnathodiaphyseal dysplasia (GDD). Also called: GNATHODIAPHYSEAL SCLEROSIS; OSTEOGENESIS IMPERFECTA WITH UNUSUAL SKELETAL LESIONS. Identifiers: Orphanet 53697, MedGen C1833736, MONDO:0008151, OMIM 166260.
Autosomal recessive limb-girdle muscular dystrophy type 2L (LGMDR12). Also called: Limb-Girdle Muscular Dystrophy R12 Anoctamin-5-Related (LGMD-R12); Limb-girdle muscular dystrophy, type 2L; MUSCULAR DYSTROPHY, LIMB-GIRDLE, AUTOSOMAL RECESSIVE 12. Identifiers: Orphanet 206549, MedGen C1969785, MONDO:0012652, OMIM 611307.

Allele frequency attached by ClinVar (database versions not stated): TOPMed 0.00006; ExAC 0.00007; gnomAD 0.00007; gnomAD exomes 0.00007 and 0.00008; ESP Exome Variant Server 0.00008.
gnomAD v4.1: 113 of 1,613,668 alleles (0.007%); highest among the groups gnomAD compares: Non-Finnish European, 0.0091%; no homozygotes.

Submissions (4):

Labcorp Genetics (formerly Invitae), Labcorp
Classification: Uncertain significance for Autosomal recessive limb-girdle muscular dystrophy type 2L; Gnathodiaphyseal dysplasia. Last evaluated: 2025-11-10. Review status: criteria provided, single submitter. Criteria: Invitae Variant Classification Sherloc (09022015). Collection method: clinical testing. Allele origin: germline.
Comment: This sequence change replaces glycine, which is neutral and non-polar, with glutamic acid, which is acidic and polar, at codon 587 of the ANO5 protein (p.Gly587Glu). This variant is present in population databases (rs369600326, gnomAD 0.01%). This missense change has been observed in individual(s) with clinical suspicion of limb-girdle muscular dystrophy (PMID: 30564623). ClinVar contains an entry for this variant (Variation ID: 282843). Invitae Evidence Modeling of protein sequence and biophysical properties (such as structural, functional, and spatial information, amino acid conservation, physicochemical variation, residue mobility, and thermodynamic stability) has been performed for this missense variant. However, the output from this modeling did not meet the statistical confidence thresholds required to predict the impact of this variant on ANO5 protein function. In summary, the available evidence is currently insufficient to determine the role of this variant in disease. Therefore, it has been classified as a Variant of Uncertain Significance.

Revvity Omics, Revvity
Classification: Uncertain significance. Last evaluated: 2022-07-01. Review status: criteria provided, single submitter. Criteria: ACMG Guidelines, 2015. Collection method: clinical testing. Allele origin: germline.

Blueprint Genetics
Classification: Uncertain significance. Last evaluated: 2021-12-30. Review status: criteria provided, single submitter. Criteria: ACMG Guidelines, 2015. Collection method: clinical testing. Allele origin: germline.

Eurofins Ntd Llc (ga)
Classification: Uncertain significance. Last evaluated: 2017-01-17. Review status: criteria provided, single submitter. Criteria: EGL Classification Definitions 2015. Collection method: clinical testing. Allele origin: germline. Observed: 3 variant alleles, 3 heterozygotes.

Literature cited by the submitters: PubMed 30564623 (cited by Labcorp Genetics (formerly Invitae), Labcorp).